The following is an entry in ClinVar:

NM_015506.3(MMACHC):c.*975C>G

Gene: MMACHC (metabolism of cobalamin associated C; plus strand). Cytogenetic location: 1p34.1.
Variant type: single nucleotide variant.
Coding change: c.*975C>G on transcript NM_015506.3 (MANE Select); 975 bases downstream of the stop codon, C replaced by G.
Molecular consequence: 3 prime UTR variant.
Genome position (GRCh38, 1-based): chr1:45,510,190, C>G. VCF-style: chr1-45510190-C-G. GRCh37 (hg19) VCF-style: chr1-45975862-C-G.
Other names: c.*975C>G (NM_001330540.2).
Identifiers: ClinVar variation 873601 (VCV000873601.4), dbSNP rs551730972, ClinGen allele CA21830639.

ClinVar aggregate classification (germline): Likely benign (1 of 4 stars; one submission).

Conditions:
Disorders of Intracellular Cobalamin Metabolism. Identifiers: MedGen CN043592.

Allele frequency attached by ClinVar (database versions not stated): 1000 Genomes Project 0.00080; 1000 Genomes Project 30x 0.00141; gnomAD 0.00146 and 0.00161; TOPMed 0.00164.

Submission:

Illumina Laboratory Services, Illumina
Classification: Likely benign for Disorders of Intracellular Cobalamin Metabolism. Last evaluated: 2018-01-12. Review status: criteria provided, single submitter. Criteria: ICSL Variant Classification Criteria 13 December 2019. Collection method: clinical testing. Allele origin: germline.
Comment: This variant was observed in the ICSL laboratory as part of a predisposition screen in an ostensibly healthy population. It had not been previously curated by ICSL or reported in the Human Gene Mutation Database (HGMD: prior to June 1st, 2018), and was therefore a candidate for classification through an automated scoring system. Utilizing variant allele frequency, disease prevalence and penetrance estimates, and inheritance mode, an automated score was calculated to assess if this variant is too frequent to cause the disease. Based on the score and internal cut-off values, a variant classified as likely benign is not then subjected to further curation. The score for this variant resulted in a classification of likely benign for this disease.